The following is an entry in ClinVar:

ClinVar aggregate classification (germline): Pathogenic (1 of 4 stars; one submission).

Conditions:
Fanconi anemia complementation group A (FANCA). Also called: FANCA-Related Fanconi Anemia; Fanconi anemia, group A. Identifiers: Orphanet 84, MedGen C3469521, MONDO:0009215, OMIM 227650.

Submission:

Myriad Genetics, Inc.
Classification: Pathogenic for Fanconi anemia complementation group A. Last evaluated: 2025-10-20. Review status: criteria provided, single submitter. Criteria: Myriad Autosomal Dominant, Autosomal Recessive and X-Linked Classification Criteria (2023). Collection method: clinical testing. Allele origin: unknown.
Comment: NM_000135.2(FANCA):c.3629delT(F1210Sfs*37) is a frameshift variant classified as pathogenic in the context of Fanconi anemia complementation group A. F1210Sfs*37 has not been observed in cases with relevant disease. Relevant functional assessments of this variant are not available in the literature. F1210Sfs*37 has not been observed in referenced population frequency databases. In summary, NM_000135.2(FANCA):c.3629delT(F1210Sfs*37) is a frameshift variant in a gene where loss of function is a known mechanism of disease and is predicted to disrupt protein function. Please note: this variant was assessed in the context of healthy population screening.

NM_000135.4(FANCA):c.3629del (p.Phe1210fs)

Gene: FANCA (FA complementation group A; minus strand). Cytogenetic location: 16q24.3.
Variant type: Deletion.
Coding change: c.3629del on transcript NM_000135.4 (MANE Select); coding-DNA position 3629, one base deleted (T; older notation c.3629delT).
Protein change: p.Phe1210fs; shifts the reading frame from phenylalanine 1210.
Molecular consequence: frameshift variant.
Genome position (GRCh38, 1-based): chr16:89,742,936, A deleted on the plus strand (T on the coding strand, the reverse complement: FANCA is on the minus strand); the first of 3 consecutive A bases (chr16:89,742,936-89,742,938); deleting any one gives the same sequence. VCF-style (leftmost placement, unchanged base first): chr16-89742935-GA-G. GRCh37 (hg19) VCF-style: chr16-89809343-GA-G.
Other names: c.3629del, p.Phe1210fs (NM_001286167.3); short protein forms F1210fs.
Identifiers: ClinVar variation 5004235 (VCV005004235.1).
Genomic context (GRCh38, chr16:89,742,935, plus strand): 5'-CAGTGCAGCAGCTGAGAGCCAGTCCGGGTTGGGTGCTGGGGAGGCAGCCTCAGGGGAGAG[GA>G]AACTGGGACAGAGAGAACGGGGTCATTGCAGGGCCTTACAACCATACAACCACGCCATAG-3'